The following is an entry in ClinVar:

ClinVar aggregate classification (germline): Uncertain significance (1 of 4 stars; one submission).

Conditions:
Immunodeficiency, common variable, 2 (CVID2). Also called: ANTIBODY DEFICIENCY DUE TO TACI DEFECT; HYPOGAMMAGLOBULINEMIA DUE TO TACI DEFICIENCY. Identifiers: Orphanet 1572, MedGen C3150354, MONDO:0009413, OMIM 240500.

Allele frequency attached by ClinVar (database versions not stated): TOPMed below 0.00001; gnomAD 0.00001.
gnomAD v4.1: 2 of 1,614,132 alleles (0.00012%); highest among the groups gnomAD compares: Non-Finnish European, 0.00017%; no homozygotes.

Submission:

Labcorp Genetics (formerly Invitae), Labcorp
Classification: Uncertain significance for Immunodeficiency, common variable, 2. Last evaluated: 2022-02-03. Review status: criteria provided, single submitter. Criteria: Invitae Variant Classification Sherloc (09022015). Collection method: clinical testing. Allele origin: germline.
Comment: In summary, the available evidence is currently insufficient to determine the role of this variant in disease. Therefore, it has been classified as a Variant of Uncertain Significance. Algorithms developed to predict the effect of missense changes on protein structure and function output the following: SIFT: "Tolerated"; PolyPhen-2: "Benign"; Align-GVGD: "Class C0". The histidine amino acid residue is found in multiple mammalian species, which suggests that this missense change does not adversely affect protein function. ClinVar contains an entry for this variant (Variation ID: 1008333). This variant has not been reported in the literature in individuals affected with TNFRSF13B-related conditions. This variant is not present in population databases (gnomAD no frequency). This sequence change replaces tyrosine, which is neutral and polar, with histidine, which is basic and polar, at codon 102 of the TNFRSF13B protein (p.Tyr102His).

NM_012452.3(TNFRSF13B):c.304T>C (p.Tyr102His)

Gene: TNFRSF13B (TNF receptor superfamily member 13B; minus strand). Cytogenetic location: 17p11.2.
Variant type: single nucleotide variant.
Coding change: c.304T>C on transcript NM_012452.3 (MANE Select); coding-DNA position 304, T replaced by C.
Protein change: p.Tyr102His; replaces tyrosine 102 with histidine.
Molecular consequence: missense variant.
Genome position (GRCh38, 1-based): chr17:16,948,879, A>G on the plus strand (T>C on the coding strand, the complement: TNFRSF13B is on the minus strand). VCF-style: chr17-16948879-A-G. GRCh37 (hg19) VCF-style: chr17-16852193-A-G.
Other names: short protein forms Y102H.
Identifiers: ClinVar variation 1008333 (VCV001008333.5), dbSNP rs767933010, ClinGen allele CA398520034.